The following is an entry in ClinVar:

NM_001290060.2(SEMA3B):c.1881G>A (p.Arg627=)

Gene: SEMA3B (semaphorin 3B; plus strand). Cytogenetic location: 3p21.31.
Variant type: single nucleotide variant.
Coding change: c.1881G>A on transcript NM_001290060.2 (MANE Select); coding-DNA position 1881, G replaced by A.
Protein change: p.Arg627=; no amino-acid change (arginine 627 retained).
Molecular consequence: synonymous variant. On other transcripts: non-coding transcript variant (1).
Genome position (GRCh38, 1-based): chr3:50,276,337, G>A. VCF-style: chr3-50276337-G-A. GRCh37 (hg19) VCF-style: chr3-50313768-G-A.
Other names: c.1878G>A, p.Arg626= (NM_001005914.3); c.1896G>A, p.Arg632= (NM_001290061.1); c.852G>A, p.Arg284= (NM_001290062.2, NM_001290063.2); c.1881G>A, p.Arg627= (NM_004636.4).
Identifiers: ClinVar variation 3356878 (VCV003356878.1).
Genomic context (GRCh38, chr3:50,276,337, plus strand): 5'-GCCTCACGCTGCCCTCTGCCCGCAGGTGCTGGCAGAGGAGCGCACCGAGCGCACCGCCCG[G>A]GGACTACTGCTGCGCAGGCTGCGGCGCCGGGACTCGGGCGTGTACTTGTGCGCCGCCGTC-3'
Protein context (NP_001276989.1, residues 617-637): LAEERTERTA[Arg627=]GLLLRRLRRR

ClinVar aggregate classification (germline): Likely benign (0 of 4 stars; one submission).

Conditions:
SEMA3B-related disorder. Also called: SEMA3B-related condition.

gnomAD v4.1: 5 of 1,529,168 alleles (0.00033%); highest among the groups gnomAD compares: Non-Finnish European, 0.00035%; no homozygotes.

Submission:

PreventionGenetics, part of Exact Sciences
Classification: Likely benign for SEMA3B-related condition. Last evaluated: 2021-08-11. Review status: no assertion criteria provided. Collection method: clinical testing. Allele origin: germline.
Comment: This variant is classified as likely benign based on ACMG/AMP sequence variant interpretation guidelines (Richards et al. 2015 PMID: 25741868, with internal and published modifications).